The following is an entry in ClinVar:

NM_006267.5(RANBP2):c.1848A>G (p.Ile616Met)

Gene: RANBP2 (RAN binding protein 2; plus strand). Cytogenetic location: 2q13.
Variant type: single nucleotide variant.
Coding change: c.1848A>G on transcript NM_006267.5 (MANE Select); coding-DNA position 1848, A replaced by G.
Protein change: p.Ile616Met; replaces isoleucine 616 with methionine.
Molecular consequence: missense variant.
Genome position (GRCh38, 1-based): chr2:108,753,090, A>G. VCF-style: chr2-108753090-A-G. GRCh37 (hg19) VCF-style: chr2-109369546-A-G.
Other names: c.1848A>G, p.Ile616Met (NM_001415871.1, NM_001415873.1); c.1845A>G, p.Ile615Met (NM_001415872.1); short protein forms I616M, I615M.
Identifiers: ClinVar variation 4739392 (VCV004739392.1).

ClinVar aggregate classification (germline): Uncertain significance (1 of 4 stars; one submission).

Conditions:
Familial acute necrotizing encephalopathy (IIAE3). Also called: ENCEPHALOPATHY, ACUTE, INFECTION-INDUCED, SUSCEPTIBILITY TO, 3; Susceptibility to Acute Necrotizing Encephalopathy 1. Identifiers: Orphanet 88619, MedGen C2675556, MONDO:0011953, OMIM 608033.

gnomAD v4.1: 4 of 1,610,204 alleles (0.00025%); highest among the groups gnomAD compares: Admixed American, 0.0017%; no homozygotes.

Submission:

Labcorp Genetics (formerly Invitae), Labcorp
Classification: Uncertain significance for Familial acute necrotizing encephalopathy. Last evaluated: 2025-07-22. Review status: criteria provided, single submitter. Criteria: Invitae Variant Classification Sherloc (09022015). Collection method: clinical testing. Allele origin: germline.
Comment: This sequence change replaces isoleucine, which is neutral and non-polar, with methionine, which is neutral and non-polar, at codon 616 of the RANBP2 protein (p.Ile616Met). This variant is present in population databases (no rsID available, gnomAD 0.003%). This variant has not been reported in the literature in individuals affected with RANBP2-related conditions. An algorithm developed to predict the effect of missense changes on protein structure and function (PolyPhen-2) suggests that this variant is likely to be tolerated. In summary, the available evidence is currently insufficient to determine the role of this variant in disease. Therefore, it has been classified as a Variant of Uncertain Significance.